The following is an entry in ClinVar:

ClinVar aggregate classification (germline): Uncertain significance (1 of 4 stars; one submission).

Conditions:
Episodic ataxia type 2 (EA2). Also called: CEREBELLAR ATAXIA, PAROXYSMAL, ACETAZOLAMIDE-RESPONSIVE; CEREBELLOPATHY, HEREDITARY PAROXYSMAL; EPISODIC ATAXIA, NYSTAGMUS-ASSOCIATED; ACETAZOLAMIDE-RESPONSIVE HEREDITARY PAROXYSMAL CEREBELLAR ATAXIA; ATAXIA, EPISODIC, WITH NYSTAGMUS; ATAXIA, FAMILIAL PAROXYSMAL. Identifiers: Orphanet 97, MedGen C1720416, MONDO:0007163, OMIM 108500.
Developmental and epileptic encephalopathy, 42 (DEE42A). Also called: Epileptic encephalopathy, early infantile, 42; DEVELOPMENTAL AND EPILEPTIC ENCEPHALOPATHY 42A; EPILEPTIC ENCEPHALOPATHY, EARLY INFANTILE, 42A. Identifiers: MedGen C4310716, MONDO:0014917, OMIM 617106.

Submission:

Labcorp Genetics (formerly Invitae), Labcorp
Classification: Uncertain significance for Developmental and epileptic encephalopathy, 42; Episodic ataxia type 2. Last evaluated: 2023-05-22. Review status: criteria provided, single submitter. Criteria: Invitae Variant Classification Sherloc (09022015). Collection method: clinical testing. Allele origin: germline.
Comment: This sequence change replaces aspartic acid, which is acidic and polar, with glutamic acid, which is acidic and polar, at codon 2137 of the CACNA1A protein (p.Asp2137Glu). This variant is not present in population databases (gnomAD no frequency). This variant has not been reported in the literature in individuals affected with CACNA1A-related conditions. Advanced modeling of protein sequence and biophysical properties (such as structural, functional, and spatial information, amino acid conservation, physicochemical variation, residue mobility, and thermodynamic stability) performed at Invitae indicates that this missense variant is not expected to disrupt CACNA1A protein function. In summary, the available evidence is currently insufficient to determine the role of this variant in disease. Therefore, it has been classified as a Variant of Uncertain Significance.

NM_001127222.2(CACNA1A):c.6408C>A (p.Asp2136Glu)

Gene: CACNA1A (calcium voltage-gated channel subunit alpha1 A; minus strand). Cytogenetic location: 19p13.13.
Variant type: single nucleotide variant.
Coding change: c.6408C>A on transcript NM_001127222.2 (MANE Select); coding-DNA position 6408, C replaced by A.
Protein change: p.Asp2136Glu; replaces aspartic acid 2136 with glutamic acid.
Molecular consequence: missense variant.
Genome position (GRCh38, 1-based): chr19:13,209,430, G>T on the plus strand (C>A on the coding strand, the complement: CACNA1A is on the minus strand). VCF-style: chr19-13209430-G-T. GRCh37 (hg19) VCF-style: chr19-13320244-G-T.
Other names: c.6426C>A, p.Asp2142Glu (NM_000068.4, NM_023035.3); c.6411C>A, p.Asp2137Glu (NM_001127221.2); c.6417C>A, p.Asp2139Glu (NM_001174080.2); short protein forms D2136E, D2142E, D2137E, D2139E.
Identifiers: ClinVar variation 2948054 (VCV002948054.3), dbSNP rs779701046, ClinGen allele CA404330983.
Genomic context (GRCh38, chr19:13,209,430, plus strand): 5'-GCGGCGCCGCTGGTGGTGCCGCTGGTTCTCCTCGGGCGGGACCCGCTCCAGCGAGTAATC[G>T]TCCAGGCGTCGGGCCTTGGGGCCCAGCACGGAGGCTGAACGCTTCATGGGGCTGGTGTCT-3'
Protein context (NP_001120694.1, residues 2126-2146): SVLGPKARRL[Asp2136Glu]DYSLERVPPE